The following is an entry in ClinVar:

ClinVar aggregate classification (germline): Pathogenic (0 of 4 stars; one submission).

Submission:

Quest Diagnostics Nichols Institute San Juan Capistrano
Classification: Pathogenic. Last evaluated: 2021-04-01. Review status: no assertion criteria provided. Collection method: clinical testing. Allele origin: germline.
Comment: The copy number gain of 17p13.3 involves a few protein-coding genes including YWHAE (OMIM 605066), CRK (OMIM 164762) and multiple exons of the 5-prime portion of INPP5K (OMIM 607875). It is expected to cause phenotypic and/or developmental abnormalities. Duplications of this region, involving YWHAE but not PAFAH1B1, have been associated with the class I type of chromosome 17p13.3 duplication syndrome (OMIM 613215) featured with intellectual impairment, autism, occasional structural brain abnormalities and possibly early overgrowth. Incomplete penetrance and highly variable expressivity are characteristic of this duplication syndrome. Inter- and intrafamilial variability is typical, especially in cognitive development, and appears to be at least partially dependent on the size of the duplication and genes involved. Duplications of YWHAE and flanking genes such as CRK are most commonly associated with autism spectrum disorders (Curry et al., Am J Med Genet A. 2013 Aug;161A(8):1833-52. PMID: 23813913; Henry et al. Eur J Med Genet. 2016 Oct;59(10):512-6; PMID: 27633569). In particular, a de novo 231 Kb gain including YWHAE and CRK was recently reported in a patient with developmental delay (Crippa et al., Front Genet. 2019 Oct 15;10:955. PMID: 31749829). In addition, biallelic pathogenic sequence variants of INPP5K have been associated with autosomal congenital muscular dystrophy with cataracts and intellectual disability (OMIM 617404).

GRCh37/hg19 17p13.3(chr17:1193547-1403538)x3

Genes: CRK (CRK proto-oncogene, adaptor protein; minus strand), INPP5K (inositol polyphosphate-5-phosphatase K; minus strand), MYO1C (myosin IC; minus strand), TRARG1 (trafficking regulator of GLUT4 (SLC2A4) 1; plus strand), YWHAE (tyrosine 3-monooxygenase/tryptophan 5-monooxygenase activation protein epsilon; minus strand). Cytogenetic location: 17p13.3.
Variant type: copy number gain.
Change: copy number 3 (three copies instead of two) of chr17:1,193,547-1,403,538 (210.0 kb, GRCh37 coordinates, 1-based), cytogenetic band 17p13.3.
Identifiers: ClinVar variation 1340219 (VCV001340219.1).